The following is an entry in ClinVar:

ClinVar aggregate classification (germline): Benign (1 of 4 stars; one submission).

Submission:

Mayo Clinic Laboratories, Mayo Clinic
Classification: Benign. Last evaluated: 2021-12-01. Review status: criteria provided, single submitter. Criteria: ACMG Guidelines, 2015. Collection method: clinical testing. Allele origin: germline. Observed: 22 variant alleles.
Comment: BA1, BP4

NM_000293.3(PHKB):c.3144+31_3144+34dup

Gene: PHKB (phosphorylase kinase regulatory subunit beta; plus strand). Cytogenetic location: 16q12.1.
Variant type: Duplication.
Coding change: c.3144+31_3144+34dup on transcript NM_000293.3 (MANE Select); bases 31 to 34 of the intron after coding-DNA position 3144, 4 bases duplicated (TTTT; older notation c.3144+31_3144+34dupTTTT).
Molecular consequence: intron variant.
Genome position (GRCh38, 1-based): chr16:47,698,619-47,698,622, TTTT duplicated; duplicating any 4 consecutive bases within chr16:47,698,602-47,698,622 gives the same sequence; the c. name uses the placement nearest the transcript's 3' end. VCF-style (leftmost placement, unchanged base first): chr16-47698601-C-CTTTT. GRCh37 (hg19) VCF-style: chr16-47732512-C-CTTTT.
Other names: p.?; c.3144+31_3144+34dup (NM_001363837.1); c.3123+31_3123+34dup (NM_001031835.3).
Identifiers: ClinVar variation 4684099 (VCV004684099.1).